The following is an entry in ClinVar:

NM_000059.4(BRCA2):c.9253dup (p.Thr3085fs)

Gene: BRCA2 (BRCA2 DNA repair associated; plus strand). Cytogenetic location: 13q13.1.
Variant type: Duplication.
Coding change: c.9253dup on transcript NM_000059.4 (MANE Select); coding-DNA position 9253, one base duplicated (A; older notation c.9253dupA).
Protein change: p.Thr3085fs; shifts the reading frame from threonine 3085.
Molecular consequence: frameshift variant.
Genome position (GRCh38, 1-based): chr13:32,380,142, A duplicated; the last of 7 consecutive A bases (chr13:32,380,136-32,380,142); duplicating any one gives the same sequence. VCF-style (leftmost placement, unchanged base first): chr13-32380135-G-GA. GRCh37 (hg19) VCF-style: chr13-32954272-G-GA.
Other names: 9481insA; c.9253dupA (NM_000059.3); short protein forms T3085fs.
Identifiers: ClinVar variation 38225 (VCV000038225.78), dbSNP rs80359752, ClinGen allele CA026052.

ClinVar aggregate classification (germline): Pathogenic. Review status: reviewed by expert panel (3 of 4 stars). 36 submissions from 35 submitters: Pathogenic (1). 35 of the submissions do not count toward it. Last evaluated 2016-09-08.

Conditions:
Wilms tumor 1 (WT1). Also called: Wilms tumor, somatic. Identifiers: Orphanet 654, MedGen CN033288, MONDO:0008679, OMIM 194070.
Medulloblastoma (MDB). Also called: MEDULLOBLASTOMA PREDISPOSITION SYNDROME; Medulloblastoma, somatic. Identifiers: Orphanet 616, MedGen C0025149, MeSH D008527, MONDO:0007959, OMIM 155255, HP:0002885.
Familial prostate cancer. Also called: Hereditary Prostate Cancer. Identifiers: MedGen C2931456, MONDO:0700275, OMIM 176807.
Glioma susceptibility 3 (GLM3). Also called: Glioblastoma 3. Identifiers: Orphanet 182067, Orphanet 360, MedGen C2751641, MONDO:0013093, OMIM 613029.
Fanconi anemia complementation group D1. Also called: BRCA2-Related Fanconi Anemia. Identifiers: Orphanet 319462, MedGen C1838457, MONDO:0011584, OMIM 605724.
Pancreatic cancer, susceptibility to, 2. Identifiers: Orphanet 1333, MedGen C3150546, MONDO:0013235, OMIM 613347.
Breast-ovarian cancer, familial, susceptibility to, 2 (BROVCA2). Also called: BRCA2 Hereditary Breast and Ovarian Cancer. Identifiers: Orphanet 145, MedGen C2675520, MONDO:0012933, OMIM 612555. Disease mechanism: loss of function.
Familial cancer of breast. Also called: Hereditary breast cancer; BREAST CANCER, FAMILIAL; hereditary breast carcinoma. Identifiers: Orphanet 227535, MedGen C0346153, MONDO:0016419, OMIM 114480. Disease mechanism: loss of function.
Inherited ovarian cancer (without breast cancer).
Inherited breast cancer and ovarian cancer.
BRCA2-related cancer predisposition. Identifiers: MedGen CN377758, MONDO:0700269.
Autosomal dominant BRCA2-related cancer types.
BRCA2-related disorder. Also called: BRCA2-related condition; BRCA2-related disorders. Identifiers: MedGen CN239275.
Hereditary cancer-predisposing syndrome. Also called: Neoplastic Syndromes, Hereditary; Tumor predisposition; Hereditary Cancer Syndrome; Hereditary neoplastic syndrome. Identifiers: Orphanet 140162, MedGen C0027672, MeSH D009386, MONDO:0015356.
Hereditary breast ovarian cancer syndrome. Also called: Hereditary breast and ovarian cancer; Hereditary breast and ovarian cancer syndrome; Hereditary breast and ovarian cancer syndrome (HBOC); Hereditary breast and/or ovarian cancer syndrome; Breast and ovarian cancer; BRCA1- and BRCA2-Associated Hereditary Breast and Ovarian Cancer. Identifiers: Orphanet 145, MedGen C0677776, MeSH D061325, MONDO:0003582. Disease mechanism: loss of function.
Ovarian neoplasm. Also called: Ovarian tumor; Ovarian Neoplasms; Neoplasm of ovary. Identifiers: MedGen C0919267, MeSH D010051, MONDO:0021068, HP:0100615.

Submissions 1 to 9 of 36:

Evidence-based Network for the Interpretation of Germline Mutant Alleles (ENIGMA)
Classification: Pathogenic for Breast-ovarian cancer, familial, susceptibility to, 2. Last evaluated: 2016-09-08. Review status: reviewed by expert panel. Criteria: ENIGMA BRCA1/2 Classification Criteria (2015). Collection method: curation. Allele origin: germline.
Comment: Variant allele predicted to encode a truncated non-functional protein.

Cambridge Genomics Laboratory, East Genomic Laboratory Hub, NHS Genomic Medicine Service
Classification: Pathogenic for Inherited breast cancer and ovarian cancer. Last evaluated: 2026-09-22. Review status: criteria provided, single submitter. Criteria: ACGS Best Practice Guidelines for Variant Classification in Rare Disease 2020. Collection method: clinical testing. Allele origin: germline. Affected: yes. Not counted in ClinVar's aggregate classification.
Comment: PVS1,PM2_Supporting,PM5_Strong

Labcorp Genetics (formerly Invitae), Labcorp
Classification: Pathogenic for Hereditary breast ovarian cancer syndrome. Last evaluated: 2025-12-28. Review status: criteria provided, single submitter. Criteria: Invitae Variant Classification Sherloc (09022015). Collection method: clinical testing. Allele origin: germline. Not counted in ClinVar's aggregate classification.
Comment: This sequence change creates a premature translational stop signal (p.Thr3085Asnfs*26) in the BRCA2 gene. It is expected to result in an absent or disrupted protein product. Loss-of-function variants in BRCA2 are known to be pathogenic (PMID: 20104584). This variant is present in population databases (rs80359752, gnomAD 0.007%). This premature translational stop signal has been observed in individual(s) with breast, ovarian, and prostate cancer (PMID: 11389159, 16455195, 16683254, 19656164, 21952622, 22798144, 23569316, 25330149). This variant is also known as 9474insA, 9481insA, 9253insA, and c.9253_9254insA. ClinVar contains an entry for this variant (Variation ID: 38225). For these reasons, this variant has been classified as Pathogenic.

Variantyx, Inc.
Classification: Pathogenic for Autosomal dominant BRCA2-related cancer types. Last evaluated: 2025-12-18. Review status: criteria provided, single submitter. Criteria: Variantyx Assertion Criteria 2022. Collection method: clinical testing. Allele origin: germline. Inheritance: Autosomal dominant inheritance. Affected: yes. Not counted in ClinVar's aggregate classification.
Comment: This is a frameshift variant in the BRCA2 gene (OMIM: 600185). Pathogenic variants in this gene have been associated with autosomal dominant susceptibility to BRCA2-related cancer types. This variant introduces a premature termination codon in exon 25 out of 27 and is expected to result in loss of function, which is a known disease mechanism for BRCA2 in this disorder (PMID: 20301425) (PVS1). This variant has been reported in multiple affected individuals (PMID: 11389159, 16455195, 16683254, 19656164, 21952622, 22798144, 23569316, 25330149) (PS4), while it has a 0.0003% maximum allele frequency in non-founder control populations (PM2). Based on the current evidence, this variant is classified as pathogenic for autosomal dominant susceptibility to BRCA2-related cancer types.

Cambridge Genomics Laboratory, East Genomic Laboratory Hub, NHS Genomic Medicine Service
Classification: Pathogenic for Inherited ovarian cancer (without breast cancer). Last evaluated: 2025-10-17. Review status: criteria provided, single submitter. Criteria: ACGS Best Practice Guidelines for Variant Classification in Rare Disease 2020. Collection method: clinical testing. Allele origin: germline. Affected: yes. Not counted in ClinVar's aggregate classification.
Comment: the same text as in the submission from Cambridge Genomics Laboratory, East Genomic Laboratory Hub, NHS Genomic Medicine Service above.

PreventionGenetics, part of Exact Sciences
Classification: Pathogenic for BRCA2-related condition. Last evaluated: 2025-09-04. Review status: criteria provided, single submitter. Criteria: ACMG Guidelines, 2015. Collection method: clinical testing. Allele origin: germline. Not counted in ClinVar's aggregate classification.
Comment: The BRCA2 c.9253dupA variant is predicted to result in a frameshift and premature protein termination (p.Thr3085Asnfs*26). This variant, also reported in the literature as 9253insA, 9481dupA, and 9474insA, has been reported individuals affected with breast and/or ovarian cancer, prostate cancer, and renal cell carcinoma (Bergthorsson et al. 2001. PubMed ID: 11389159; Table S1, Borg et al. 2010. PubMed ID: 20104584; Table S1, Carter et al. 2018. PubMed ID: 30322717; Table A1, Castro et al. 2013. PubMed ID: 23569316; Table S2, Matejcic et al. 2020. PubMed ID: 32832836; and Yngvadottir et al. 2022. PubMed ID: 35441217). This variant is reported in 0.00089% of alleles in individuals of European (non-Finnish) descent in gnomAD, and is interpreted as pathogenic by the Evidence-based Network for the Interpretation of Germline Mutant Alleles (ENIGMA) in ClinVar (Variation ID: 38225). Frameshift variants in BRCA2 are expected to be pathogenic. This variant is interpreted as pathogenic.

GeneKor MSA
Classification: Pathogenic for Hereditary breast ovarian cancer syndrome. Last evaluated: 2025-06-25. Review status: criteria provided, single submitter. Criteria: ACMG Guidelines, 2015. Collection method: clinical testing. Allele origin: germline. Affected: no. Not counted in ClinVar's aggregate classification.
Comment: This sequence change inserts one nucleotide in exon 24 of the BRCA2 mRNA c.(9253dupA), causing a frameshift at codon 3085. This creates a premature translational stop signal p.(Thr3085Asnfs*26) and is expected to result in an absent or disrupted protein product. Truncating variants in the BRCA2 gene are known to be pathogenic (PMID:20104584). This variant is present in population databases (rs80359752) and has been reported in individuals and families affected with breast, ovarian, and prostate cancer (PMID:11389159, 16455195, 16683254, 19656164, 21952622, 22798144, 23569316, 25330149). The mutation database Clinvar contains entries for this variant where it is listed as pathogenic (VCV000038225.62). Based on the classification criteria set by the ACMG and AMP (PMID:25741868) this variant has been classified as pathogenic.

CeGaT Center for Human Genetics Tuebingen
Classification: Pathogenic. Last evaluated: 2025-05-01. Review status: criteria provided, single submitter. Criteria: CeGaT Center For Human Genetics Tuebingen Variant Classification Criteria Version 2. Collection method: clinical testing. Allele origin: germline. Affected: yes. Observed: 1 variant allele. Not counted in ClinVar's aggregate classification.
Comment: BRCA2: PVS1, PM2:Supporting, PP4

Quest Diagnostics Nichols Institute San Juan Capistrano
Classification: Pathogenic. Last evaluated: 2025-03-16. Review status: criteria provided, single submitter. Criteria: Quest Diagnostics criteria. Collection method: clinical testing. Allele origin: unknown. Not counted in ClinVar's aggregate classification.
Comment: The BRCA2 c.9253dup (p.Thr3085Asnfs*26) variant alters the translational reading frame of the BRCA2 mRNA and causes the premature termination of BRCA2 protein synthesis. This variant has been reported in the published literature in individuals with breast cancer and/or ovarian cancer (PMID: 11389159 (2001), 22798144 (2012), 30322717 (2018), 30287823 (2018), 30702160 (2019), 30972954 (2019), 32019277 (2020), 33558524 (2021), 33471991 (2021), see also LOVD), prostate cancer (PMID: 21952622 (2011), 29915322 (2018)), colorectal cancer (PMID: 37804357 (2023)), and esophageal cancer (PMID: 31396961 (2020)). The frequency of this variant in the general population (Genome Aggregation Database) is consistent with pathogenicity. Based on the available information, this variant is classified as pathogenic.